The following is an entry in ClinVar:

ClinVar aggregate classification (germline): Uncertain significance (1 of 4 stars; one submission).

Allele frequency attached by ClinVar (database versions not stated): ExAC 0.00003; gnomAD exomes 0.00004; gnomAD 0.00007; TOPMed 0.00012.
gnomAD v4.1: 64 of 1,611,614 alleles (0.004%); highest among the groups gnomAD compares: East Asian, 0.065%; no homozygotes.

Submission:

Labcorp Genetics (formerly Invitae), Labcorp
Classification: Uncertain significance. Last evaluated: 2025-03-16. Review status: criteria provided, single submitter. Criteria: Invitae Variant Classification Sherloc (09022015). Collection method: clinical testing. Allele origin: germline.
Comment: This sequence change replaces arginine, which is basic and polar, with tryptophan, which is neutral and slightly polar, at codon 603 of the COL27A1 protein (p.Arg603Trp). This variant is present in population databases (rs774381208, gnomAD 0.05%). This missense change has been observed in individual(s) with early onset scoliosis (PMID: 32381727). ClinVar contains an entry for this variant (Variation ID: 2199713). Invitae Evidence Modeling of protein sequence and biophysical properties (such as structural, functional, and spatial information, amino acid conservation, physicochemical variation, residue mobility, and thermodynamic stability) indicates that this missense variant is not expected to disrupt COL27A1 protein function with a negative predictive value of 80%. In summary, the available evidence is currently insufficient to determine the role of this variant in disease. Therefore, it has been classified as a Variant of Uncertain Significance.

Literature cited by the submitters: PubMed 32381727.

NM_032888.4(COL27A1):c.1807C>T (p.Arg603Trp)

Gene: COL27A1 (collagen type XXVII alpha 1 chain; plus strand). Cytogenetic location: 9q32.
Variant type: single nucleotide variant.
Coding change: c.1807C>T on transcript NM_032888.4 (MANE Select); coding-DNA position 1807, C replaced by T.
Protein change: p.Arg603Trp; replaces arginine 603 with tryptophan.
Molecular consequence: missense variant.
Genome position (GRCh38, 1-based): chr9:114,169,362, C>T. VCF-style: chr9-114169362-C-T. GRCh37 (hg19) VCF-style: chr9-116931642-C-T.
Other names: short protein forms R603W.
Identifiers: ClinVar variation 2199713 (VCV002199713.2), dbSNP rs774381208, ClinGen allele CA5201480.
Genomic context (GRCh38, chr9:114,169,362, plus strand): 5'-AGTCAGCAGACCACCCCGGCCCTGGTATTGGCCCCGGCGCAATTCCTGTCCTCCAGCCCC[C>T]GGCCCACGAGCAGTGGCTATTCGATCTTCCACCTGGCAGGATCTACGCCTTTCCCTCTGC-3'
Protein context (NP_116277.2, residues 593-613): APAQFLSSSP[Arg603Trp]PTSSGYSIFH